The following is an entry in ClinVar:

ClinVar aggregate classification (germline): Likely benign (0 of 4 stars; one submission).

Conditions:
PADI6-related disorder. Also called: PADI6-related condition.

Submission:

PreventionGenetics, part of Exact Sciences
Classification: Likely benign for PADI6-related condition. Last evaluated: 2023-02-07. Review status: no assertion criteria provided. Collection method: clinical testing. Allele origin: germline.
Comment: This variant is classified as likely benign based on ACMG/AMP sequence variant interpretation guidelines (Richards et al. 2015 PMID: 25741868, with internal and published modifications).

NM_207421.4(PADI6):c.1690-23CCCA[7]

Gene: PADI6 (peptidyl arginine deiminase 6; plus strand). Cytogenetic location: 1p36.13.
Variant type: Microsatellite.
Coding change: c.1690-23CCCA[7] on transcript NM_207421.4 (MANE Select); seven copies in a row of the 4-base unit CCCA starting at c.1690-23.
Molecular consequence: intron variant.
Genome position: GRCh38 VCF-style: chr1-17398662-C-CCCCACCCA. GRCh37 (hg19) VCF-style: chr1-17725158-C-CCCCACCCA.
Other names: c.1690-10_1690-3dup8 (NM_207421.4).
Identifiers: ClinVar variation 3035678 (VCV003035678.2), dbSNP rs753996243, ClinGen allele CA891281961.
Genomic context (GRCh38, chr1:17,398,662, plus strand): 5'-CAGTATGGAAGGAAACTGGTTTTAATTCCTGATGAGCTCTCCTTGCTCCCCCGCCCCCCC[C>CCCCACCCA]CCCACCCACCCACCCACCCACAGAAGTGCATTCACCTGAACCGTGACATCCTGAAGACGG-3'